The following is an entry in ClinVar:

NM_000038.6(APC):c.2532_2533del (p.Arg845fs)

Gene: APC (APC regulator of Wnt signaling pathway; plus strand). Cytogenetic location: 5q22.2.
Variant type: Microsatellite.
Coding change: c.2532_2533del on transcript NM_000038.6 (MANE Select); coding-DNA positions 2532 to 2533, 2 bases deleted (TC; older notation c.2532_2533delTC).
Protein change: p.Arg845fs; shifts the reading frame from arginine 845.
Molecular consequence: frameshift variant.
Genome position (GRCh38, 1-based): chr5:112,838,126-112,838,127, TC deleted; deleting any 2 consecutive bases within chr5:112,838,124-112,838,127 gives the same sequence; the c. name uses the placement nearest the transcript's 3' end. VCF-style (leftmost placement, unchanged base first): chr5-112838123-TTC-T. GRCh37 (hg19) VCF-style: chr5-112173820-TTC-T.
Other names: c.2532_2533del, p.Arg845fs (NM_001127510.3, NM_001354895.2); c.2478_2479del, p.Arg827fs (NM_001127511.3); c.2586_2587del, p.Arg863fs (NM_001354896.2); c.2562_2563del, p.Arg855fs (NM_001354897.2); c.2457_2458del, p.Arg820fs (NM_001354898.2); c.2448_2449del, p.Arg817fs (NM_001354899.2); c.2409_2410del, p.Arg804fs (NM_001354900.2); c.2355_2356del, p.Arg786fs (NM_001354901.2); and 5 more; short protein forms R685fs, R744fs, R754fs, R817fs, R855fs, R863fs, R827fs, R562fs.
Identifiers: ClinVar variation 654812 (VCV000654812.10), dbSNP rs1580623562, ClinGen allele CA915942620.

ClinVar aggregate classification (germline): Pathogenic (1 of 4 stars; one submission).

Conditions:
Familial adenomatous polyposis 1 (FAP1). Also called: FAMILIAL ADENOMATOUS POLYPOSIS 1, ATTENUATED; POLYPOSIS, ADENOMATOUS INTESTINAL. Identifiers: MedGen C2713442, MONDO:0021056, OMIM 175100. Disease mechanism: loss of function.

Submission:

Labcorp Genetics (formerly Invitae), Labcorp
Classification: Pathogenic for Familial adenomatous polyposis 1. Last evaluated: 2018-07-14. Review status: criteria provided, single submitter. Criteria: Invitae Variant Classification Sherloc (09022015). Collection method: clinical testing. Allele origin: germline.
Comment: For these reasons, this variant has been classified as Pathogenic. A different truncation (p.Tyr2645Lysfs*14) that lies downstream of this variant has been determined to be pathogenic (PMID: 9824584, 1316610, 27081525, 8381579, 22135120, Invitae). This suggests that deletion of this region of the APC protein is causative of disease. This variant has not been reported in the literature in individuals with APC-related disease. This variant is not present in population databases (ExAC no frequency). This sequence change results in a premature translational stop signal in the APC gene (p.Arg845Phefs*2). While this is not anticipated to result in nonsense mediated decay, it is expected to disrupt the last 1999 amino acids of the APC protein.

Literature cited by the submitters: PubMed 9824584; PubMed 1316610; PubMed 27081525; PubMed 8381579; PubMed 22135120.